The following is an entry in ClinVar:

ClinVar aggregate classification (germline): Uncertain significance (1 of 4 stars; one submission).

Allele frequency attached by ClinVar (database versions not stated): gnomAD exomes 0.00001.
gnomAD v4.1: 10 of 1,614,086 alleles (0.00062%); highest among the groups gnomAD compares: Non-Finnish European, 0.00076%; no homozygotes.

Submission:

Labcorp Genetics (formerly Invitae), Labcorp
Classification: Uncertain significance. Last evaluated: 2023-01-24. Review status: criteria provided, single submitter. Criteria: Invitae Variant Classification Sherloc (09022015). Collection method: clinical testing. Allele origin: germline.
Comment: Algorithms developed to predict the effect of missense changes on protein structure and function are either unavailable or do not agree on the potential impact of this missense change (SIFT: "Deleterious"; PolyPhen-2: "Benign"; Align-GVGD: "Class C65"). This sequence change replaces histidine, which is basic and polar, with aspartic acid, which is acidic and polar, at codon 631 of the CLCN6 protein (p.His631Asp). This variant is not present in population databases (gnomAD no frequency). This variant has not been reported in the literature in individuals affected with CLCN6-related conditions. In summary, the available evidence is currently insufficient to determine the role of this variant in disease. Therefore, it has been classified as a Variant of Uncertain Significance.

NM_001286.5(CLCN6):c.1891C>G (p.His631Asp)

Gene: CLCN6 (chloride voltage-gated channel 6; plus strand). Cytogenetic location: 1p36.22.
Variant type: single nucleotide variant.
Coding change: c.1891C>G on transcript NM_001286.5 (MANE Select); coding-DNA position 1891, C replaced by G.
Protein change: p.His631Asp; replaces histidine 631 with aspartic acid.
Molecular consequence: missense variant. On other transcripts: non-coding transcript variant (1).
Genome position (GRCh38, 1-based): chr1:11,836,064, C>G. VCF-style: chr1-11836064-C-G. GRCh37 (hg19) VCF-style: chr1-11896121-C-G.
Other names: c.1825C>G, p.His609Asp (NM_001256959.2); short protein forms H609D, H631D.
Identifiers: ClinVar variation 1939375 (VCV001939375.5), dbSNP rs2523164907, ClinGen allele CA338438250.